The following is an entry in ClinVar:

NM_000047.3(ARSL):c.888C>T (p.Ser296=)

Gene: ARSL (arylsulfatase L; minus strand). Cytogenetic location: Xp22.33.
Variant type: single nucleotide variant.
Coding change: c.888C>T on transcript NM_000047.3 (MANE Select); coding-DNA position 888, C replaced by T.
Protein change: p.Ser296=; no amino-acid change (serine 296 retained).
Molecular consequence: synonymous variant.
Genome position (GRCh38, 1-based): chrX:2,946,101, G>A on the plus strand (C>T on the coding strand, the complement: ARSL is on the minus strand). VCF-style: chrX-2946101-G-A. GRCh37 (hg19) VCF-style: chrX-2864142-G-A.
Other names: c.963C>T, p.Ser321= (NM_001282628.2, NM_001369080.1); c.726C>T, p.Ser242= (NM_001282631.2); c.915C>T, p.Ser305= (NM_001369079.1).
Identifiers: ClinVar variation 1683194 (VCV001683194.10), dbSNP rs184888777, ClinGen allele CA10338126.

ClinVar aggregate classification (germline): Likely benign. Review status: criteria provided, multiple submitters, no conflicts (2 of 4 stars). 3 submissions from 3 submitters: Likely benign (3). Last evaluated 2026-08-01.

Conditions:
Chondrodysplasia punctata, brachytelephalangic, autosomal. Also called: BRACHYTELEPHALANGIC CHONDRODYSPLASIA PUNCTATA. Identifiers: MedGen C1844853, MONDO:0011238, OMIM 602497.

Allele frequency attached by ClinVar (database versions not stated): gnomAD exomes 0.00004 and 0.00011; gnomAD 0.00006; ExAC 0.00007; TOPMed 0.00008; 1000 Genomes Project 0.00026; 1000 Genomes Project 30x 0.00042.
gnomAD v4.1: 57 of 1,208,475 alleles (0.0047%); highest among the groups gnomAD compares: Admixed American, 0.046%; no homozygotes.

Submissions (3):

CeGaT Center for Human Genetics Tuebingen
Classification: Likely benign. Last evaluated: 2026-08-01. Review status: criteria provided, single submitter. Criteria: CeGaT Center For Human Genetics Tuebingen Variant Classification Criteria Version 2. Collection method: clinical testing. Allele origin: germline. Affected: yes. Observed: 1 variant allele.
Comment: ARSL: BP4, BP7, BS2

Labcorp Genetics (formerly Invitae), Labcorp
Classification: Likely benign for Chondrodysplasia punctata, brachytelephalangic, autosomal. Last evaluated: 2025-11-05. Review status: criteria provided, single submitter. Criteria: Invitae Variant Classification Sherloc (09022015). Collection method: clinical testing. Allele origin: germline.

Breakthrough Genomics
Classification: Likely benign. Review status: criteria provided, single submitter. Criteria: ACMG Guidelines, 2015. Collection method: not provided. Allele origin: germline. Inheritance: X-linked recessive inheritance. Affected: yes.